The following is an entry in ClinVar:

NC_000001.10:g.(?_151375199)_(151403318_151413403)dup

Gene: POGZ (pogo transposable element derived with ZNF domain; minus strand). Cytogenetic location: 1q21.3.
Variant type: Duplication.
Identifiers: ClinVar variation 3629814 (VCV003629814.2).

ClinVar aggregate classification (germline): Uncertain significance (1 of 4 stars; one submission).

Submission:

Women's Health and Genetics/Laboratory Corporation of America, LabCorp
Classification: Uncertain significance. Last evaluated: 2026-03-02. Review status: criteria provided, single submitter. Criteria: LabCorp Variant Classification Summary - May 2015. Collection method: clinical testing. Allele origin: germline.
Comment: Variant summary: The variant involves the duplication of exons 4-19 in the POGZ gene. A presumed nomenclature of c.(283+1_284-1)_(*2079_?)dup has been designated for the purposes of this classification. The exact breakpoint at the 3' end of this variant is unknown, therefore this duplication may extend downstream of the annotated region of the gene. As it duplicates the termination codon, its effect on the encoded protein is unknown. The variant was absent in 21676 control chromosomes. The available data on variant occurrences in the general population are insufficient to allow any conclusion about variant significance. To our knowledge, no occurrence of c.(283+1_284-1)_(*2079_?)dup in individuals affected with POGZ-related conditions and no experimental evidence demonstrating its impact on protein function have been reported. ClinVar contains an entry for this variant (Variation ID: 3629814). Based on the evidence outlined above, the variant was classified as uncertain significance.